The following is an entry in ClinVar:

ClinVar aggregate classification (germline): Likely pathogenic (1 of 4 stars; one submission).

Conditions:
Gaucher disease. Also called: Acute cerebral Gaucher disease; Cerebroside lipidosis syndrome; Gaucher splenomegaly; Sphingolipidosis 1; Glucocerebrosidosis; Glucosylceramidase deficiency. Identifiers: Orphanet 355, MedGen C0017205, MONDO:0018150.

Submission:

Natera, Inc.
Classification: Likely pathogenic for Gaucher disease. Last evaluated: 2024-04-24. Review status: criteria provided, single submitter. Criteria: Natera Variant Classification Schema (03/2026). Collection method: clinical testing. Allele origin: germline.
Comment: The c.1501A>T variant in GBA1 is a missense variant predicted to cause substitution of asparagine to tyrosine at amino acid 501. This variant is rare in the general population with a frequency below the threshold expected for the associated phenotype(s). This variant has been observed in one or more individuals affected with the associated recessive disease, as either homozygous or compound heterozygous with a second variant (PMID: 32547927). A different variant at the same position has been determined to be Pathogenic or Likely Pathogenic. Computational prediction algorithms indicate this variant is likely to affect gene or protein function. Given the available evidence, this variant is classified as Likely Pathogenic.

Literature cited by the submitters: PubMed 32547927.

NM_000157.4(GBA1):c.1501A>T (p.Asn501Tyr)

Genes: GBA1 (glucosylceramidase beta 1; minus strand), LOC106627981 (GBA recombination region; plus strand). Cytogenetic location: 1q22.
Variant type: single nucleotide variant.
Coding change: c.1501A>T on transcript NM_000157.4 (MANE Select); coding-DNA position 1501, A replaced by T.
Protein change: p.Asn501Tyr; replaces asparagine 501 with tyrosine.
Molecular consequence: missense variant.
Genome position (GRCh38, 1-based): chr1:155,235,199, T>A on the plus strand (A>T on the coding strand, the complement: GBA1 is on the minus strand). VCF-style: chr1-155235199-T-A. GRCh37 (hg19) VCF-style: chr1-155204990-T-A.
Other names: c.1501A>T, p.Asn501Tyr (NM_001005741.3, NM_001005742.3); c.1240A>T, p.Asn414Tyr (NM_001171811.2); c.1354A>T, p.Asn452Tyr (NM_001171812.2); short protein forms N414Y, N452Y, N501Y.
Identifiers: ClinVar variation 4817730 (VCV004817730.1).